The following is an entry in ClinVar:

NM_003128.3(SPTBN1):c.3001A>G (p.Met1001Val)

Gene: SPTBN1 (spectrin beta, non-erythrocytic 1; plus strand). Cytogenetic location: 2p16.2.
Variant type: single nucleotide variant.
Coding change: c.3001A>G on transcript NM_003128.3 (MANE Select); coding-DNA position 3001, A replaced by G.
Protein change: p.Met1001Val; replaces methionine 1001 with valine.
Molecular consequence: missense variant.
Genome position (GRCh38, 1-based): chr2:54,631,048, A>G. VCF-style: chr2-54631048-A-G. GRCh37 (hg19) VCF-style: chr2-54858185-A-G.
Other names: c.2962A>G, p.Met988Val (NM_178313.3); short protein forms M1001V, M988V.
Identifiers: ClinVar variation 4688348 (VCV004688348.1).

ClinVar aggregate classification (germline): Uncertain significance (1 of 4 stars; one submission).

Submission:

Women's Health and Genetics/Laboratory Corporation of America, LabCorp
Classification: Uncertain significance. Last evaluated: 2025-12-12. Review status: criteria provided, single submitter. Criteria: LabCorp Variant Classification Summary - May 2015. Collection method: clinical testing. Allele origin: germline.
Comment: Variant summary: SPTBN1 c.3001A>G (p.Met1001Val) results in a conservative amino acid change located in the Spectrin repeat region (IPR018159) of the encoded protein sequence. Algorithms developed to predict the effect of missense changes on protein structure and function are either unavailable or do not agree on the potential impact of this missense change. The variant was absent in 250978 control chromosomes. The available data on variant occurrences in the general population are insufficient to allow any conclusion about variant significance. To our knowledge, no occurrence of c.3001A>G in individuals affected with SPTBN1-related conditions and no experimental evidence demonstrating its impact on protein function have been reported. No submitters have cited clinical-significance assessments for this variant to ClinVar. Based on the evidence outlined above, the variant was classified as uncertain significance.